The following is an entry in ClinVar:

NM_182931.3(KMT2E):c.5453_5460del (p.Val1818fs)

Gene: KMT2E (lysine methyltransferase 2E (inactive); plus strand). Cytogenetic location: 7q22.3.
Variant type: Deletion.
Coding change: c.5453_5460del on transcript NM_182931.3 (MANE Select); coding-DNA positions 5453 to 5460, 8 bases deleted (TGGCCCTG; older notation c.5453_5460delTGGCCCTG).
Protein change: p.Val1818fs; shifts the reading frame from valine 1818.
Molecular consequence: frameshift variant.
Genome position (GRCh38, 1-based): chr7:105,113,209-105,113,216, TGGCCCTG deleted; deleting any 8 consecutive bases within chr7:105,113,206-105,113,216 gives the same sequence; the c. name uses the placement nearest the transcript's 3' end. VCF-style (leftmost placement, unchanged base first): chr7-105113205-TCTGTGGCC-T. GRCh37 (hg19) VCF-style: chr7-104753652-TCTGTGGCC-T.
Other names: c.5453_5460del, p.Val1818fs (NM_018682.4); short protein forms V1818fs.
Identifiers: ClinVar variation 805914 (VCV000805914.2), dbSNP rs1584821980, ClinGen allele CA913184821.

ClinVar aggregate classification (germline): Uncertain significance (1 of 4 stars; one submission).

Submission:

Broad Center for Mendelian Genomics, Broad Institute of MIT and Harvard
Classification: Uncertain significance. Last evaluated: 2019-02-07. Review status: criteria provided, single submitter. Criteria: ACMG Guidelines, 2015. Collection method: research. Allele origin: unknown. Inheritance: Autosomal dominant inheritance. Affected: yes.
Comment: The p.Val1818Alafs*48 variant in KMT2E has not been previously reported in individuals with intellectual disabilities or developmental delay and was absent from large population studies. This variant is predicted to cause a frameshift, which alters the proteinâ€™s amino acid sequence beginning at position 1818 and leads to a premature termination codon 48 amino acids downstream. This alteration is then predicted to lead to a truncated or absent protein. This alteration is then predicted to lead to a truncated or absent protein. It is of note, that loss of function of the KMT2E gene in autosomal dominant disease has not yet been established based on the criteria laid out in Tayoun, 2018 (PMID: 30192042). In summary, while there is some suspicion for a pathogenic role, the clinical significance of this variant is uncertain.